The following is an entry in ClinVar:

NM_000719.7(CACNA1C):c.5144G>A (p.Arg1715Gln)

Genes: CACNA1C (calcium voltage-gated channel subunit alpha1 C; plus strand), CACNA1C-AS1 (CACNA1C antisense RNA 1; minus strand). Cytogenetic location: 12p13.33.
Variant type: single nucleotide variant.
Coding change: c.5144G>A on transcript NM_000719.7 (MANE Select); coding-DNA position 5144, G replaced by A.
Protein change: p.Arg1715Gln; replaces arginine 1715 with glutamine.
Molecular consequence: missense variant.
Genome position (GRCh38, 1-based): chr12:2,679,496, G>A. VCF-style: chr12-2679496-G-A. GRCh37 (hg19) VCF-style: chr12-2788662-G-A.
Other names: p.R1715Q:CGG>CAG; c.5288G>A, p.Arg1763Gln (NM_001129827.2, NM_199460.4); c.5267G>A, p.Arg1756Gln (NM_001129829.2); c.5144G>A, p.Arg1715Gln (NM_001129830.3, NM_001129840.2, NM_001129841.2 and 4 more transcripts); c.5228G>A, p.Arg1743Gln (NM_001129831.2); c.5204G>A, p.Arg1735Gln (NM_001129832.2); c.5201G>A, p.Arg1734Gln (NM_001129833.2, NM_001129834.2, NM_001129835.2); c.5195G>A, p.Arg1732Gln (NM_001129836.2); and 4 more; short protein forms R1715Q, R1763Q, R1743Q, R1756Q, R1704Q, R1721Q, R1734Q, R1735Q.
Identifiers: ClinVar variation 190685 (VCV000190685.12), dbSNP rs376706496, ClinGen allele CA301623.

ClinVar aggregate classification (germline): Conflicting classifications of pathogenicity. Review status: criteria provided, conflicting classifications (1 of 4 stars). 4 submissions from 4 submitters: Uncertain significance (2); Likely benign (2). Last evaluated 2025-08-24.

Conditions:
CACNA1C-related disorder. Also called: CACNA1C-related disorders; CACNA1C-related condition. Identifiers: MedGen CN381092, MONDO:0700321.
Cardiovascular phenotype. Identifiers: MedGen CN230736.
Long QT syndrome (LQTS). Identifiers: MedGen C0023976, MeSH D008133, MONDO:0002442. Disease mechanism: loss of function. Inheritance: Various modes of inheritance.

Allele frequency attached by ClinVar (database versions not stated): gnomAD 0.00005; gnomAD exomes 0.00002; TOPMed 0.00002; ExAC 0.00003; ESP Exome Variant Server 0.00008.
gnomAD v4.1: 38 of 1,607,292 alleles (0.0024%); highest among the groups gnomAD compares: South Asian, 0.0066%; no homozygotes.

Submissions (4):

PreventionGenetics, part of Exact Sciences
Classification: Uncertain significance for CACNA1C-related condition. Last evaluated: 2025-08-24. Review status: criteria provided, single submitter. Criteria: ACMG Guidelines, 2015. Collection method: clinical testing. Allele origin: germline.
Comment: The CACNA1C c.5144G>A variant is predicted to result in the amino acid substitution p.Arg1715Gln. This variant was reported as a variant of uncertain clinical significance in an individual from a cohort of patients with unexplained cardiac arrest (Grondin et al. 2022. PubMed ID: 35352813). This variant is reported in 0.010% of alleles in individuals of South Asian descent in gnomAD. At this time, the clinical significance of this variant is uncertain due to the absence of conclusive functional and genetic evidence.

Labcorp Genetics (formerly Invitae), Labcorp
Classification: Likely benign for Long QT syndrome. Last evaluated: 2025-08-02. Review status: criteria provided, single submitter. Criteria: Invitae Variant Classification Sherloc (09022015). Collection method: clinical testing. Allele origin: germline.

Ambry Genetics
Classification: Likely benign for Cardiovascular phenotype. Last evaluated: 2024-12-16. Review status: criteria provided, single submitter. Criteria: Ambry Variant Classification Scheme 2023. Collection method: clinical testing. Allele origin: germline.

GeneDx
Classification: Uncertain significance. Last evaluated: 2016-11-29. Review status: criteria provided, single submitter. Criteria: GeneDx Variant Classification (06012015). Collection method: clinical testing. Allele origin: germline. Affected: yes.
Comment: The R1715Q variant has not been published as a pathogenic variant, nor has it been reported as a benign variant to our knowledge. This variant was not observed at a significant frequency in approximately 6,200 individuals of European and African American ancestry in the NHLBI Exome Sequencing Project, indicating it is not a common benign variant in these populations. The R1715Q variant is a semi-conservative amino acid substitution, which may impact secondary protein structure as these residues differ in some properties. This substitution occurs at a position that is conserved across species, and in silico analysis predicts this variant is probably damaging to the protein structure/function. However, to our knowledge no studies have been performed to determine the functional effect of the R1715Q variant.Therefore, based on the currently available information, it is unclear whether this variant is pathogenic or benign.